The following is an entry in ClinVar:

ClinVar aggregate classification (germline): Benign/Likely benign. Review status: criteria provided, multiple submitters, no conflicts (2 of 4 stars). 6 submissions from 6 submitters: Benign (1); Likely benign (3). 2 of the submissions do not count toward it. Last evaluated 2026-01-26.

Conditions:
ACAD9-related disorder. Also called: ACAD9-related condition.
Acyl-CoA dehydrogenase 9 deficiency. Also called: Acyl-CoA dehydrogenase family, member 9, deficiency of; MITOCHONDRIAL COMPLEX I DEFICIENCY, NUCLEAR TYPE 20. Identifiers: Orphanet 99901, MedGen C4747517, MONDO:0012624, OMIM 611126.

Allele frequency attached by ClinVar (database versions not stated): gnomAD exomes 0.00028 and 0.00060; ExAC 0.00068; 1000 Genomes Project 0.00080; 1000 Genomes Project 30x 0.00094; gnomAD below 0.00001 and 0.00014; TOPMed 0.00003.

Submissions (6):

Labcorp Genetics (formerly Invitae), Labcorp
Classification: Benign. Last evaluated: 2026-01-26. Review status: criteria provided, single submitter. Criteria: Invitae Variant Classification Sherloc (09022015). Collection method: clinical testing. Allele origin: germline.

Blueprint Genetics
Classification: Likely benign. Last evaluated: 2024-11-07. Review status: criteria provided, single submitter. Criteria: ACMG Guidelines, 2015. Collection method: clinical testing. Allele origin: germline.

GeneDx
Classification: Likely benign. Last evaluated: 2020-07-22. Review status: criteria provided, single submitter. Criteria: GeneDx Variant Classification Process June 2021. Collection method: clinical testing. Allele origin: germline. Affected: yes.

Illumina Laboratory Services, Illumina
Classification: Likely benign for Acyl-CoA dehydrogenase 9 deficiency. Last evaluated: 2018-01-13. Review status: criteria provided, single submitter. Criteria: ICSL Variant Classification Criteria 13 December 2019. Collection method: clinical testing. Allele origin: germline.
Comment: This variant was observed in the ICSL laboratory as part of a predisposition screen in an ostensibly healthy population. It had not been previously curated by ICSL or reported in the Human Gene Mutation Database (HGMD: prior to June 1st, 2018), and was therefore a candidate for classification through an automated scoring system. Utilizing variant allele frequency, disease prevalence and penetrance estimates, and inheritance mode, an automated score was calculated to assess if this variant is too frequent to cause the disease. Based on the score and internal cut-off values, a variant classified as likely benign is not then subjected to further curation. The score for this variant resulted in a classification of likely benign for this disease.

PreventionGenetics, part of Exact Sciences
Classification: Likely benign for ACAD9-related condition. Last evaluated: 2021-06-03. Review status: no assertion criteria provided. Collection method: clinical testing. Allele origin: germline. Not counted in ClinVar's aggregate classification.
Comment: This variant is classified as likely benign based on ACMG/AMP sequence variant interpretation guidelines (Richards et al. 2015 PMID: 25741868, with internal and published modifications).

Natera, Inc.
Classification: Benign for ACAD9 deficiency. Last evaluated: 2020-09-16. Review status: no assertion criteria provided. Collection method: clinical testing. Allele origin: germline. Not counted in ClinVar's aggregate classification.

NM_014049.5(ACAD9):c.1331C>T (p.Ala444Val)

Gene: ACAD9 (acyl-CoA dehydrogenase family member 9; plus strand). Cytogenetic location: 3q21.3.
Variant type: single nucleotide variant.
Coding change: c.1331C>T on transcript NM_014049.5 (MANE Select); coding-DNA position 1331, C replaced by T.
Protein change: p.Ala444Val; replaces alanine 444 with valine.
Molecular consequence: missense variant. On other transcripts: non-coding transcript variant (1).
Genome position (GRCh38, 1-based): chr3:128,908,237, C>T. VCF-style: chr3-128908237-C-T. GRCh37 (hg19) VCF-style: chr3-128627080-C-T.
Other names: short protein forms A444V.
Identifiers: ClinVar variation 343199 (VCV000343199.21), dbSNP rs549861940, ClinGen allele CA2601502.